The following is an entry in ClinVar:

ClinVar aggregate classification (germline): Likely benign (1 of 4 stars; one submission).

gnomAD v4.1: 48 of 1,596,820 alleles (0.003%); highest among the groups gnomAD compares: Non-Finnish European, 0.0038%; no homozygotes.

Submission:

CeGaT Center for Human Genetics Tuebingen
Classification: Likely benign. Last evaluated: 2026-04-01. Review status: criteria provided, single submitter. Criteria: CeGaT Center For Human Genetics Tuebingen Variant Classification Criteria Version 2. Collection method: clinical testing. Allele origin: germline. Affected: yes. Observed: 1 variant allele.
Comment: ZMYM2: BS2

NM_197968.4(ZMYM2):c.1547G>A (p.Arg516Gln)

Gene: ZMYM2 (zinc finger MYM-type containing 2; plus strand). Cytogenetic location: 13q12.11.
Variant type: single nucleotide variant.
Coding change: c.1547G>A on transcript NM_197968.4 (MANE Select); coding-DNA position 1547, G replaced by A.
Protein change: p.Arg516Gln; replaces arginine 516 with glutamine.
Molecular consequence: missense variant. On other transcripts: non-coding transcript variant (1).
Genome position (GRCh38, 1-based): chr13:20,019,581, G>A. VCF-style: chr13-20019581-G-A. GRCh37 (hg19) VCF-style: chr13-20593721-G-A.
Other names: c.1547G>A, p.Arg516Gln (NM_001190965.4, NM_001353157.2, NM_001353159.2 and 5 more transcripts); c.1352G>A, p.Arg451Gln (NM_001353161.3); c.1286G>A, p.Arg429Gln (NM_001353163.2); short protein forms R429Q, R451Q, R516Q.
Identifiers: ClinVar variation 4872600 (VCV004872600.2).